The following is an entry in ClinVar:

NM_000179.3(MSH6):c.708A>C (p.Gln236His)

Gene: MSH6 (mutS homolog 6; plus strand). Cytogenetic location: 2p16.3.
Variant type: single nucleotide variant.
Coding change: c.708A>C on transcript NM_000179.3 (MANE Select); coding-DNA position 708, A replaced by C.
Protein change: p.Gln236His; replaces glutamine 236 with histidine.
Molecular consequence: missense variant. On other transcripts: 5 prime UTR variant (2).
Genome position (GRCh38, 1-based): chr2:47,798,691, A>C. VCF-style: chr2-47798691-A-C. GRCh37 (hg19) VCF-style: chr2-48025830-A-C.
Other names: c.318A>C, p.Gln106His (NM_001281492.2); c.-199A>C (NM_001281493.2, NM_001281494.2); short protein forms Q106H, Q236H.
Identifiers: ClinVar variation 847895 (VCV000847895.11), dbSNP rs1322117538, ClinGen allele CA346739985.

ClinVar aggregate classification (germline): Uncertain significance. Review status: criteria provided, multiple submitters, no conflicts (2 of 4 stars). 2 submissions from 2 submitters: Uncertain significance (2). Last evaluated 2025-05-02.

Conditions:
Hereditary cancer-predisposing syndrome. Also called: Tumor predisposition; Hereditary neoplastic syndrome; Neoplastic Syndromes, Hereditary; Hereditary Cancer Syndrome. Identifiers: Orphanet 140162, MedGen C0027672, MeSH D009386, MONDO:0015356.
Hereditary nonpolyposis colorectal neoplasms. Identifiers: MedGen C0009405, MeSH D003123.

Submissions (2):

Labcorp Genetics (formerly Invitae), Labcorp
Classification: Uncertain significance for Hereditary nonpolyposis colorectal neoplasms. Last evaluated: 2025-05-02. Review status: criteria provided, single submitter. Criteria: Invitae Variant Classification Sherloc (09022015). Collection method: clinical testing. Allele origin: germline.
Comment: This sequence change replaces glutamine, which is neutral and polar, with histidine, which is basic and polar, at codon 236 of the MSH6 protein (p.Gln236His). This variant is not present in population databases (gnomAD no frequency). This variant has not been reported in the literature in individuals affected with MSH6-related conditions. ClinVar contains an entry for this variant (Variation ID: 847895). Invitae Evidence Modeling of protein sequence and biophysical properties (such as structural, functional, and spatial information, amino acid conservation, physicochemical variation, residue mobility, and thermodynamic stability) indicates that this missense variant is not expected to disrupt MSH6 protein function with a negative predictive value of 95%. In summary, the available evidence is currently insufficient to determine the role of this variant in disease. Therefore, it has been classified as a Variant of Uncertain Significance.

Ambry Genetics
Classification: Uncertain significance for Hereditary cancer-predisposing syndrome. Last evaluated: 2024-04-26. Review status: criteria provided, single submitter. Criteria: Ambry Variant Classification Scheme 2023. Collection method: clinical testing. Allele origin: germline.
Comment: The p.Q236H variant (also known as c.708A>C), located in coding exon 4 of the MSH6 gene, results from an A to C substitution at nucleotide position 708. The glutamine at codon 236 is replaced by histidine, an amino acid with highly similar properties. This amino acid position is conserved. In addition, this alteration is predicted to be tolerated by in silico analysis. Based on the available evidence, the clinical significance of this variant remains unclear.